The following is an entry in ClinVar:

ClinVar aggregate classification (germline): Pathogenic (1 of 4 stars; one submission).

Conditions:
Benign neonatal seizures. Also called: Benign familial neonatal seizures; Benign neonatal familial convulsions; Benign familial neonatal epilepsy; Convulsions benign familial neonatal dominant form; Autosomal dominant form of benign neonatal seizures. Identifiers: Orphanet 1949, MedGen C0220669, MONDO:0016027.

Submission:

Labcorp Genetics (formerly Invitae), Labcorp
Classification: Pathogenic for Benign neonatal seizures. Last evaluated: 2021-12-13. Review status: criteria provided, single submitter. Criteria: Invitae Variant Classification Sherloc (09022015). Collection method: clinical testing. Allele origin: germline.
Comment: For these reasons, this variant has been classified as Pathogenic. This missense change has been observed in individual(s) with clinical features of autosomal dominant KCNQ3-related conditions (Invitae). In at least one individual the variant was observed to be de novo. This sequence change replaces glycine, which is neutral and non-polar, with arginine, which is basic and polar, at codon 268 of the KCNQ3 protein (p.Gly268Arg). This variant is not present in population databases (gnomAD no frequency). Advanced modeling of protein sequence and biophysical properties (such as structural, functional, and spatial information, amino acid conservation, physicochemical variation, residue mobility, and thermodynamic stability) performed at Invitae indicates that this missense variant is expected to disrupt KCNQ3 protein function.

NM_004519.4(KCNQ3):c.802G>C (p.Gly268Arg)

Gene: KCNQ3 (potassium voltage-gated channel subfamily Q member 3; minus strand). Cytogenetic location: 8q24.22.
Variant type: single nucleotide variant.
Coding change: c.802G>C on transcript NM_004519.4 (MANE Select); coding-DNA position 802, G replaced by C.
Protein change: p.Gly268Arg; replaces glycine 268 with arginine.
Molecular consequence: missense variant.
Genome position (GRCh38, 1-based): chr8:132,175,584, C>G on the plus strand (G>C on the coding strand, the complement: KCNQ3 is on the minus strand). VCF-style: chr8-132175584-C-G. GRCh37 (hg19) VCF-style: chr8-133187831-C-G.
Other names: c.442G>C, p.Gly148Arg (NM_001204824.2); short protein forms G268R, G148R.
Identifiers: ClinVar variation 1355934 (VCV001355934.6), dbSNP rs1282879239, ClinGen allele CA372290578.